The following is an entry in ClinVar:

ClinVar aggregate classification (germline): Uncertain significance. Review status: criteria provided, multiple submitters, no conflicts (2 of 4 stars). 2 submissions from 2 submitters: Uncertain significance (2). Last evaluated 2023-09-21.

Conditions:
Gastrointestinal stromal tumor. Also called: Gastrointestinal stromal tumor, somatic; Gastrointestinal stroma tumor. Identifiers: Orphanet 44890, MedGen C0238198, MeSH D046152, MONDO:0011719, OMIM 606764, HP:0100723.
Hereditary cancer-predisposing syndrome. Also called: Neoplastic Syndromes, Hereditary; Tumor predisposition; Hereditary Cancer Syndrome; Hereditary neoplastic syndrome. Identifiers: Orphanet 140162, MedGen C0027672, MeSH D009386, MONDO:0015356.

Submissions (2):

Ambry Genetics
Classification: Uncertain significance for Hereditary cancer-predisposing syndrome. Last evaluated: 2023-09-21. Review status: criteria provided, single submitter. Criteria: Ambry Variant Classification Scheme 2023. Collection method: clinical testing. Allele origin: germline.
Comment: The p.I965F variant (also known as c.2893A>T), located in coding exon 21 of the PDGFRA gene, results from an A to T substitution at nucleotide position 2893. The isoleucine at codon 965 is replaced by phenylalanine, an amino acid with highly similar properties. This amino acid position is conserved. In addition, the in silico prediction for this alteration is inconclusive. Since supporting evidence is limited at this time, the clinical significance of this alteration remains unclear.

Labcorp Genetics (formerly Invitae), Labcorp
Classification: Uncertain significance for Gastrointestinal stromal tumor. Last evaluated: 2022-10-11. Review status: criteria provided, single submitter. Criteria: Invitae Variant Classification Sherloc (09022015). Collection method: clinical testing. Allele origin: germline.
Comment: This variant is not present in population databases (gnomAD no frequency). In summary, the available evidence is currently insufficient to determine the role of this variant in disease. Therefore, it has been classified as a Variant of Uncertain Significance. Advanced modeling of protein sequence and biophysical properties (such as structural, functional, and spatial information, amino acid conservation, physicochemical variation, residue mobility, and thermodynamic stability) has been performed at Invitae for this missense variant, however the output from this modeling did not meet the statistical confidence thresholds required to predict the impact of this variant on PDGFRA protein function. This variant has not been reported in the literature in individuals affected with PDGFRA-related conditions. This sequence change replaces isoleucine, which is neutral and non-polar, with phenylalanine, which is neutral and non-polar, at codon 965 of the PDGFRA protein (p.Ile965Phe).

NM_006206.6(PDGFRA):c.2893A>T (p.Ile965Phe)

Gene: PDGFRA (platelet derived growth factor receptor alpha; plus strand). Cytogenetic location: 4q12.
Variant type: single nucleotide variant.
Coding change: c.2893A>T on transcript NM_006206.6 (MANE Select); coding-DNA position 2893, A replaced by T.
Protein change: p.Ile965Phe; replaces isoleucine 965 with phenylalanine.
Molecular consequence: missense variant.
Genome position (GRCh38, 1-based): chr4:54,290,325, A>T. VCF-style: chr4-54290325-A-T. GRCh37 (hg19) VCF-style: chr4-55156492-A-T.
Other names: c.2968A>T, p.Ile990Phe (NM_001347828.2); c.2893A>T, p.Ile965Phe (NM_001347829.2); c.2932A>T, p.Ile978Phe (NM_001347830.2); short protein forms I965F, I990F, I978F.
Identifiers: ClinVar variation 2808234 (VCV002808234.4), dbSNP rs2475564887, ClinGen allele CA356895935.